The following is an entry in ClinVar:

NM_175053.4(KRT74):c.143G>A (p.Arg48Gln)

Gene: KRT74 (keratin 74; minus strand). Cytogenetic location: 12q13.13.
Variant type: single nucleotide variant.
Coding change: c.143G>A on transcript NM_175053.4 (MANE Select); coding-DNA position 143, G replaced by A.
Protein change: p.Arg48Gln; replaces arginine 48 with glutamine.
Molecular consequence: missense variant.
Genome position (GRCh38, 1-based): chr12:52,573,635, C>T on the plus strand (G>A on the coding strand, the complement: KRT74 is on the minus strand). VCF-style: chr12-52573635-C-T. GRCh37 (hg19) VCF-style: chr12-52967419-C-T.
Other names: short protein forms R48Q.
Identifiers: ClinVar variation 725342 (VCV000725342.8), dbSNP rs759304994, ClinGen allele CA6584188.
Genomic context (GRCh38, chr12:52,573,635, plus strand): 5'-ACGCCGCCACCAGCCACATTGAAAGAAATACGCCGATTCCCTCCAAGGCTATAGAGGCTC[C>T]GACTGCCAAAGCCAGCGCCAGCCCCTCTGCCAGCTGCACAGTAAGAAGCCAGGCTACCCA-3'
Protein context (NP_778223.2, residues 38-58): GRGAGAGFGS[Arg48Gln]SLYSLGGNRR

ClinVar aggregate classification (germline): Likely benign. Review status: criteria provided, single submitter (1 of 4 stars). 2 submissions from 2 submitters: Likely benign (1). 1 of the submissions does not count toward it. Last evaluated 2025-07-03.

Allele frequency attached by ClinVar (database versions not stated): gnomAD exomes 0.00008 and 0.00038; gnomAD 0.00010 and 0.00011; TOPMed 0.00015; ExAC 0.00030.
gnomAD v4.1: 131 of 1,614,040 alleles (0.0081%); highest among the groups gnomAD compares: Admixed American, 0.19%; 1 homozygote.

Submissions (2):

Labcorp Genetics (formerly Invitae), Labcorp
Classification: Likely benign. Last evaluated: 2025-07-03. Review status: criteria provided, single submitter. Criteria: Invitae Variant Classification Sherloc (09022015). Collection method: clinical testing. Allele origin: germline.

Department of Pathology and Laboratory Medicine, Sinai Health System
Classification: Uncertain significance. Review status: no assertion criteria provided. Collection method: clinical testing. Allele origin: unknown. Affected: yes. Study: The Canadian Open Genetics Repository (COGR). Not counted in ClinVar's aggregate classification.
Comment: The KRT74 p.R48Q variant was not identified in the literature but was identified in dbSNP (ID: rs759304994) and ClinVar (classified as likely benign by Invitae). The variant was identified in control databases in 97 of 282744 chromosomes at a frequency of 0.0003431, and was observed at the highest frequency in the Latino population in 93 of 35436 chromosomes (freq: 0.002624) (Genome Aggregation Database March 6, 2019, v2.1.1). The p.R48 residue is not conserved in mammals and computational analyses (MUT Assesor, PolyPhen-2, SIFT, MutationTaster, Revel, FATHMM, MetaLR, DANN) do not suggest a high likelihood of impact to the protein; however this information is not predictive enough to rule out pathogenicity. The variant occurs outside of the splicing consensus sequence and in silico or computational prediction software programs (Splice AI exome) do not predict a difference in splicing. In summary, based on the above information the clinical significance of this variant cannot be determined with certainty at this time. This variant is classified as a variant of uncertain significance.